The following is an entry in ClinVar:

NM_020066.5(FMN2):c.3599C>T (p.Pro1200Leu)

Gene: FMN2 (formin 2; plus strand). Cytogenetic location: 1q43.
Variant type: single nucleotide variant.
Coding change: c.3599C>T on transcript NM_020066.5 (MANE Select); coding-DNA position 3599, C replaced by T.
Protein change: p.Pro1200Leu; replaces proline 1200 with leucine.
Molecular consequence: missense variant. On other transcripts: intron variant (1).
Genome position (GRCh38, 1-based): chr1:240,208,411, C>T. VCF-style: chr1-240208411-C-T. GRCh37 (hg19) VCF-style: chr1-240371711-C-T.
Other names: c.3611C>T, p.Pro1204Leu (NM_001305424.2); c.1986+20149C>T (NM_001348094.2); short protein forms P1200L, P1204L.
Identifiers: ClinVar variation 3360676 (VCV003360676.1).

ClinVar aggregate classification (germline): Uncertain significance (1 of 4 stars; one submission).

Submission:

GeneDx
Classification: Uncertain significance. Last evaluated: 2023-06-29. Review status: criteria provided, single submitter. Criteria: GeneDx Variant Classification Process June 2021. Collection method: clinical testing. Allele origin: germline. Affected: yes.
Comment: Not observed at significant frequency in large population cohorts (gnomAD); In silico analysis supports that this missense variant does not alter protein structure/function; Has not been previously published as pathogenic or benign to our knowledge